The following is an entry in ClinVar:

NM_014996.4(PLCH1):c.4697T>G (p.Leu1566Arg)

Gene: PLCH1 (phospholipase C eta 1; minus strand). Cytogenetic location: 3q25.31.
Variant type: single nucleotide variant.
Coding change: c.4697T>G on transcript NM_014996.4 (MANE Select); coding-DNA position 4697, T replaced by G.
Protein change: p.Leu1566Arg; replaces leucine 1566 with arginine.
Molecular consequence: missense variant. On other transcripts: 3 prime UTR variant (3).
Genome position (GRCh38, 1-based): chr3:155,481,329, A>C on the plus strand (T>G on the coding strand, the complement: PLCH1 is on the minus strand). VCF-style: chr3-155481329-A-C. GRCh37 (hg19) VCF-style: chr3-155199118-A-C.
Other names: c.4721T>G, p.Leu1574Arg (NM_001130960.2); c.*1740T>G (NM_001130961.2); c.*1737T>G (NM_001349250.2, NM_001349252.2); c.4694T>G, p.Leu1565Arg (NM_001349251.2); short protein forms L1565R, L1566R, L1574R.
Identifiers: ClinVar variation 4533534 (VCV004533534.6).

ClinVar aggregate classification (germline): Likely benign (1 of 4 stars; one submission).

gnomAD v4.1: 324 of 1,614,260 alleles (0.02%); highest among the groups gnomAD compares: South Asian, 0.34%; 1 homozygote.

Submission:

CeGaT Center for Human Genetics Tuebingen
Classification: Likely benign. Last evaluated: 2025-10-01. Review status: criteria provided, single submitter. Criteria: CeGaT Center For Human Genetics Tuebingen Variant Classification Criteria Version 2. Collection method: clinical testing. Allele origin: germline. Affected: yes. Observed: 1 variant allele.
Comment: PLCH1: BS2